The following is an entry in ClinVar:

NM_000744.7(CHRNA4):c.162C>T (p.Pro54=)

Gene: CHRNA4 (cholinergic receptor nicotinic alpha 4 subunit; minus strand). Cytogenetic location: 20q13.33.
Variant type: single nucleotide variant.
Coding change: c.162C>T on transcript NM_000744.7 (MANE Select); coding-DNA position 162, C replaced by T.
Protein change: p.Pro54=; no amino-acid change (proline 54 retained).
Molecular consequence: synonymous variant. On other transcripts: 5 prime UTR variant (1), non-coding transcript variant (1).
Genome position (GRCh38, 1-based): chr20:63,359,614, G>A on the plus strand (C>T on the coding strand, the complement: CHRNA4 is on the minus strand). VCF-style: chr20-63359614-G-A. GRCh37 (hg19) VCF-style: chr20-61990966-G-A.
Other names: c.-385C>T (NM_001256573.2).
Identifiers: ClinVar variation 391999 (VCV000391999.6), dbSNP rs776104392, ClinGen allele CA9957960.

ClinVar aggregate classification (germline): Likely benign. Review status: criteria provided, multiple submitters, no conflicts (2 of 4 stars). 3 submissions from 3 submitters: Likely benign (3). Last evaluated 2026-06-17.

Conditions:
Familial sleep-related hypermotor epilepsy. Also called: Autosomal Dominant Sleep-Related Hypermotor (Hyperkinetic) Epilepsy. Identifiers: Orphanet 98784, MedGen C3696898, MONDO:0000030.

Allele frequency attached by ClinVar (database versions not stated): gnomAD exomes 0.00001; ExAC 0.00001; TOPMed 0.00002; gnomAD 0.00003.

Submissions (3):

Women's Health and Genetics/Laboratory Corporation of America, LabCorp
Classification: Likely benign. Last evaluated: 2026-06-17. Review status: criteria provided, single submitter. Criteria: LabCorp Variant Classification Summary - May 2015. Collection method: clinical testing. Allele origin: germline.

Labcorp Genetics (formerly Invitae), Labcorp
Classification: Likely benign. Last evaluated: 2024-08-19. Review status: criteria provided, single submitter. Criteria: Invitae Variant Classification Sherloc (09022015). Collection method: clinical testing. Allele origin: germline.

GeneDx
Classification: Likely benign. Last evaluated: 2016-12-27. Review status: criteria provided, single submitter. Criteria: GeneDx Variant Classification (06012015). Collection method: clinical testing. Allele origin: germline. Affected: yes.
Comment: This variant is considered likely benign or benign based on one or more of the following criteria: it is a conservative change, it occurs at a poorly conserved position in the protein, it is predicted to be benign by multiple in silico algorithms, and/or has population frequency not consistent with disease.